The following is an entry in ClinVar:

NM_006739.4(MCM5):c.1200T>G (p.Ile400Met)

Gene: MCM5 (minichromosome maintenance complex component 5; plus strand). Cytogenetic location: 22q12.3.
Variant type: single nucleotide variant.
Coding change: c.1200T>G on transcript NM_006739.4 (MANE Select); coding-DNA position 1200, T replaced by G.
Protein change: p.Ile400Met; replaces isoleucine 400 with methionine.
Molecular consequence: missense variant.
Genome position (GRCh38, 1-based): chr22:35,413,983, T>G. VCF-style: chr22-35413983-T-G. GRCh37 (hg19) VCF-style: chr22-35809976-T-G.
Other names: short protein forms I400M.
Identifiers: ClinVar variation 2427893 (VCV002427893.6), dbSNP rs376281725, ClinGen allele CA323491958.

ClinVar aggregate classification (germline): Uncertain significance (1 of 4 stars; one submission).

Allele frequency attached by ClinVar (database versions not stated): gnomAD exomes below 0.00001.
gnomAD v4.1: 3 of 1,608,874 alleles (0.00019%); highest among the groups gnomAD compares: African/African-American, 0.004%; no homozygotes.

Submission:

Labcorp Genetics (formerly Invitae), Labcorp
Classification: Uncertain significance. Last evaluated: 2022-06-08. Review status: criteria provided, single submitter. Criteria: Invitae Variant Classification Sherloc (09022015). Collection method: clinical testing. Allele origin: germline.
Comment: In summary, the available evidence is currently insufficient to determine the role of this variant in disease. Therefore, it has been classified as a Variant of Uncertain Significance. Algorithms developed to predict the effect of missense changes on protein structure and function are either unavailable or do not agree on the potential impact of this missense change (SIFT: "Deleterious"; PolyPhen-2: "Probably Damaging"; Align-GVGD: "Class C0"). This variant has not been reported in the literature in individuals affected with MCM5-related conditions. This variant is not present in population databases (gnomAD no frequency). This sequence change replaces isoleucine, which is neutral and non-polar, with methionine, which is neutral and non-polar, at codon 400 of the MCM5 protein (p.Ile400Met).